The following is an entry in ClinVar:

NM_001037131.3(AGAP1):c.1718A>G (p.Tyr573Cys)

Gene: AGAP1 (ArfGAP with GTPase domain, ankyrin repeat and PH domain 1; plus strand). Cytogenetic location: 2q37.2.
Variant type: single nucleotide variant.
Coding change: c.1718A>G on transcript NM_001037131.3 (MANE Select); coding-DNA position 1718, A replaced by G.
Protein change: p.Tyr573Cys; replaces tyrosine 573 with cysteine.
Molecular consequence: missense variant.
Genome position (GRCh38, 1-based): chr2:236,036,633, A>G. VCF-style: chr2-236036633-A-G. GRCh37 (hg19) VCF-style: chr2-236945277-A-G.
Other names: c.1559A>G, p.Tyr520Cys (NM_014914.5); short protein forms Y520C, Y573C.
Identifiers: ClinVar variation 3633221 (VCV003633221.2).

ClinVar aggregate classification (germline): Uncertain significance (1 of 4 stars; one submission).

Submission:

Labcorp Genetics (formerly Invitae), Labcorp
Classification: Uncertain significance. Last evaluated: 2024-01-27. Review status: criteria provided, single submitter. Criteria: Invitae Variant Classification Sherloc (09022015). Collection method: clinical testing. Allele origin: germline.
Comment: This sequence change replaces tyrosine, which is neutral and polar, with cysteine, which is neutral and slightly polar, at codon 520 of the AGAP1 protein (p.Tyr520Cys). This variant is not present in population databases (gnomAD no frequency). This variant has not been reported in the literature in individuals affected with AGAP1-related conditions. An algorithm developed to predict the effect of missense changes on protein structure and function (PolyPhen-2) suggests that this variant is likely to be disruptive. In summary, the available evidence is currently insufficient to determine the role of this variant in disease. Therefore, it has been classified as a Variant of Uncertain Significance.